The following is an entry in ClinVar:

NM_001203.3(BMPR1B):c.737A>C (p.Glu246Ala)

Gene: BMPR1B (bone morphogenetic protein receptor type 1B; plus strand). Cytogenetic location: 4q22.3.
Variant type: single nucleotide variant.
Coding change: c.737A>C on transcript NM_001203.3 (MANE Select); coding-DNA position 737, A replaced by C.
Protein change: p.Glu246Ala; replaces glutamic acid 246 with alanine.
Molecular consequence: missense variant.
Genome position (GRCh38, 1-based): chr4:95,130,013, A>C. VCF-style: chr4-95130013-A-C. GRCh37 (hg19) VCF-style: chr4-96051164-A-C.
Other names: c.737A>C, p.Glu246Ala (NM_001256792.2, NM_001256794.1); c.827A>C, p.Glu276Ala (NM_001256793.2); c.737A>C (NM_001203.2); short protein forms E246A, E276A.
Identifiers: ClinVar variation 1972181 (VCV001972181.6), dbSNP rs779737736, ClinGen allele CA101663789.

ClinVar aggregate classification (germline): Uncertain significance. Review status: criteria provided, multiple submitters, no conflicts (2 of 4 stars). 2 submissions from 2 submitters: Uncertain significance (2). Last evaluated 2024-01-02.

Conditions:
Type A2 brachydactyly (BDA2). Also called: BRACHYMESOPHALANGY II; MOHR-WRIEDT TYPE BRACHYDACTYLY; Brachymesophalangy type 2. Identifiers: Orphanet 93396, MedGen C1832702, MONDO:0007216, OMIM 112600, HP:0009372.
Acromesomelic dysplasia 3 (AMD3). Also called: CHONDRODYSPLASIA, ACROMESOMELIC, WITH OR WITHOUT GENITAL ANOMALIES; Acromesomelic dysplasia, Demirhan type. Identifiers: MedGen C4225404, MONDO:0012274, OMIM 609441.
Inborn genetic diseases. Identifiers: MedGen C0950123, MeSH D030342.

gnomAD v4.1: 25 of 1,613,966 alleles (0.0015%); highest among the groups gnomAD compares: Admixed American, 0.013%; no homozygotes.

Submissions (2):

Ambry Genetics
Classification: Uncertain significance for Inborn genetic diseases. Last evaluated: 2024-01-02. Review status: criteria provided, single submitter. Criteria: Ambry Variant Classification Scheme 2023. Collection method: clinical testing. Allele origin: germline.

Labcorp Genetics (formerly Invitae), Labcorp
Classification: Uncertain significance for Type A2 brachydactyly; Acromesomelic dysplasia 3. Last evaluated: 2022-06-11. Review status: criteria provided, single submitter. Criteria: Invitae Variant Classification Sherloc (09022015). Collection method: clinical testing. Allele origin: germline.
Comment: This sequence change replaces glutamic acid, which is acidic and polar, with alanine, which is neutral and non-polar, at codon 246 of the BMPR1B protein (p.Glu246Ala). In summary, the available evidence is currently insufficient to determine the role of this variant in disease. Therefore, it has been classified as a Variant of Uncertain Significance. Advanced modeling of protein sequence and biophysical properties (such as structural, functional, and spatial information, amino acid conservation, physicochemical variation, residue mobility, and thermodynamic stability) performed at Invitae indicates that this missense variant is expected to disrupt BMPR1B protein function. This variant has not been reported in the literature in individuals affected with BMPR1B-related conditions. This variant is present in population databases (no rsID available, gnomAD 0.007%).